The following is an entry in ClinVar:

NM_001379180.1(ESRRB):c.1148C>T (p.Ala383Val)

Gene: ESRRB (estrogen related receptor beta; plus strand). Cytogenetic location: 14q24.3.
Variant type: single nucleotide variant.
Coding change: c.1148C>T on transcript NM_001379180.1 (MANE Select); coding-DNA position 1148, C replaced by T.
Protein change: p.Ala383Val; replaces alanine 383 with valine.
Molecular consequence: missense variant.
Genome position (GRCh38, 1-based): chr14:76,498,241, C>T. VCF-style: chr14-76498241-C-T. GRCh37 (hg19) VCF-style: chr14-76964584-C-T.
Other names: c.1100C>T, p.Ala367Val (NM_001411038.1); c.1085C>T, p.Ala362Val (NM_004452.4); short protein forms A362V, A367V, A383V.
Identifiers: ClinVar variation 3905646 (VCV003905646.10).

ClinVar aggregate classification (germline): Uncertain significance (1 of 4 stars; one submission).

Submission:

CeGaT Center for Human Genetics Tuebingen
Classification: Uncertain significance. Last evaluated: 2025-06-01. Review status: criteria provided, single submitter. Criteria: CeGaT Center For Human Genetics Tuebingen Variant Classification Criteria Version 2. Collection method: clinical testing. Allele origin: germline. Affected: yes. Observed: 1 variant allele.
Comment: ESRRB: PM2, PM3:Supporting